The following is an entry in ClinVar:

NM_000361.3(THBD):c.1341C>A (p.Asn447Lys)

Gene: THBD (thrombomodulin; minus strand). Cytogenetic location: 20p11.21.
Variant type: single nucleotide variant.
Coding change: c.1341C>A on transcript NM_000361.3 (MANE Select); coding-DNA position 1341, C replaced by A.
Protein change: p.Asn447Lys; replaces asparagine 447 with lysine.
Molecular consequence: missense variant.
Genome position (GRCh38, 1-based): chr20:23,048,164, G>T on the plus strand (C>A on the coding strand, the complement: THBD is on the minus strand). VCF-style: chr20-23048164-G-T. GRCh37 (hg19) VCF-style: chr20-23028801-G-T.
Other names: short protein forms N447K.
Identifiers: ClinVar variation 4780006 (VCV004780006.1).
Genomic context (GRCh38, chr20:23,048,164, plus strand): 5'-CCCGCAGATGCACTCGAAGGTACCGGGGAGGTTGTGGCACACCCCGGAGCAGAAGCCGCC[G>T]TTTTCGCACTCGTCGATGTCCGTGCAGATGAAACCGTCGTCCAGGATGTAGCCTTCAGGG-3'
Protein context (NP_000352.1, residues 437-457): FICTDIDECE[Asn447Lys]GGFCSGVCHN

ClinVar aggregate classification (germline): Uncertain significance (1 of 4 stars; one submission).

Submission:

Labcorp Genetics (formerly Invitae), Labcorp
Classification: Uncertain significance. Last evaluated: 2025-02-20. Review status: criteria provided, single submitter. Criteria: Invitae Variant Classification Sherloc (09022015). Collection method: clinical testing. Allele origin: germline.
Comment: This sequence change replaces asparagine, which is neutral and polar, with lysine, which is basic and polar, at codon 447 of the THBD protein (p.Asn447Lys). This variant is not present in population databases (gnomAD no frequency). This variant has not been reported in the literature in individuals affected with THBD-related conditions. Invitae Evidence Modeling of protein sequence and biophysical properties (such as structural, functional, and spatial information, amino acid conservation, physicochemical variation, residue mobility, and thermodynamic stability) indicates that this missense variant is expected to disrupt THBD protein function with a positive predictive value of 80%. In summary, the available evidence is currently insufficient to determine the role of this variant in disease. Therefore, it has been classified as a Variant of Uncertain Significance.